The following is an entry in ClinVar:

ClinVar aggregate classification (germline): Uncertain significance. Review status: criteria provided, multiple submitters, no conflicts (2 of 4 stars). 3 submissions from 3 submitters: Uncertain significance (3). Last evaluated 2025-11-06.

Conditions:
Hereditary cancer-predisposing syndrome. Also called: Hereditary Cancer Syndrome; Neoplastic Syndromes, Hereditary; Tumor predisposition; Hereditary neoplastic syndrome. Identifiers: Orphanet 140162, MedGen C0027672, MeSH D009386, MONDO:0015356.
Hereditary breast ovarian cancer syndrome. Also called: Hereditary breast and ovarian cancer syndrome; Hereditary breast and ovarian cancer; Hereditary breast and ovarian cancer syndrome (HBOC); Breast and ovarian cancer; Hereditary breast and/or ovarian cancer syndrome; BRCA1- and BRCA2-Associated Hereditary Breast and Ovarian Cancer. Identifiers: Orphanet 145, MedGen C0677776, MeSH D061325, MONDO:0003582. Disease mechanism: loss of function.

Submissions (3):

Labcorp Genetics (formerly Invitae), Labcorp
Classification: Uncertain significance for Hereditary breast ovarian cancer syndrome. Last evaluated: 2025-11-06. Review status: criteria provided, single submitter. Criteria: Invitae Variant Classification Sherloc (09022015). Collection method: clinical testing. Allele origin: germline.
Comment: This sequence change replaces histidine, which is basic and polar, with tyrosine, which is neutral and polar, at codon 117 of the BRCA1 protein (p.His117Tyr). This variant is not present in population databases (gnomAD no frequency). This variant has not been reported in the literature in individuals affected with BRCA1-related conditions. ClinVar contains an entry for this variant (Variation ID: 481456). Invitae Evidence Modeling of protein sequence and biophysical properties (such as structural, functional, and spatial information, amino acid conservation, physicochemical variation, residue mobility, and thermodynamic stability) indicates that this missense variant is expected to disrupt BRCA1 protein function with a positive predictive value of 80%. In summary, the available evidence is currently insufficient to determine the role of this variant in disease. Therefore, it has been classified as a Variant of Uncertain Significance.

Ambry Genetics
Classification: Uncertain significance for Hereditary cancer-predisposing syndrome. Last evaluated: 2020-06-17. Review status: criteria provided, single submitter. Criteria: Ambry Variant Classification Scheme 2023. Collection method: clinical testing. Allele origin: germline.
Comment: The p.H117Y variant (also known as c.349C>T), located in coding exon 5 of the BRCA1 gene, results from a C to T substitution at nucleotide position 349. The histidine at codon 117 is replaced by tyrosine, an amino acid with similar properties. This amino acid position is not well conserved in available vertebrate species. In addition, the in silico prediction for this alteration is inconclusive. Since supporting evidence is limited at this time, the clinical significance of this alteration remains unclear.

Color Diagnostics, LLC DBA Color Health
Classification: Uncertain significance for Hereditary cancer-predisposing syndrome. Last evaluated: 2019-06-07. Review status: criteria provided, single submitter. Criteria: ACMG Guidelines, 2015. Collection method: clinical testing. Allele origin: germline.

NM_007294.4(BRCA1):c.349C>T (p.His117Tyr)

Gene: BRCA1 (BRCA1 DNA repair associated; minus strand). Cytogenetic location: 17q21.31.
Variant type: single nucleotide variant.
Coding change: c.349C>T on transcript NM_007294.4 (MANE Select); coding-DNA position 349, C replaced by T.
Protein change: p.His117Tyr; replaces histidine 117 with tyrosine.
Molecular consequence: missense variant. On other transcripts: non-coding transcript variant (1).
Genome position (GRCh38, 1-based): chr17:43,104,214, G>A on the plus strand (C>T on the coding strand, the complement: BRCA1 is on the minus strand). VCF-style: chr17-43104214-G-A. GRCh37 (hg19) VCF-style: chr17-41256231-G-A.
Other names: c.139C>T, p.His47Tyr (NM_001408478.1, NM_001408479.1, NM_001408481.1 and 58 more transcripts); c.349C>T, p.His117Tyr (NM_001407919.1, NM_001407581.1, NM_001407591.1 and 165 more transcripts); c.340C>T, p.His114Tyr (NM_001407646.1, NM_001407647.1, NM_001408408.1); c.271C>T, p.His91Tyr (NM_001407653.1, NM_001407654.1, NM_001407655.1 and 21 more transcripts); c.208C>T, p.His70Tyr (NM_001407692.1, NM_001407694.1, NM_001407695.1 and 99 more transcripts); c.-33C>T (NM_001407959.1, NM_001407960.1, NM_001407962.1 and 4 more transcripts); c.217C>T, p.His73Tyr (NM_001408451.1); short protein forms H117Y, H70Y, H73Y, H114Y, H47Y, H91Y.
Identifiers: ClinVar variation 481456 (VCV000481456.10), dbSNP rs1042173379, ClinGen allele CA10601447.
Genomic context (GRCh38, chr17:43,104,214, plus strand): 5'-GTCTTTTGGCACGGTTTCTGTAGCCCATACTTTGGATGATAGAAACTTCATCTTTTAGAT[G>A]TTCAGGAGAGTTATTTTCCTTTTTTGCAAAATTATAGCTGTTTGCATCTGTAAAATACAA-3'
Protein context (NP_009225.1, residues 107-127): FAKKENNSPE[His117Tyr]LKDEVSIIQS